The following is an entry in ClinVar:

ClinVar aggregate classification (germline): Conflicting classifications of pathogenicity. Review status: criteria provided, conflicting classifications (1 of 4 stars). 4 submissions from 4 submitters: Uncertain significance (1); Likely benign (3). Last evaluated 2026-01-25.

Conditions:
Autoimmune lymphoproliferative syndrome type 2A (ALPS2A). Also called: Autoimmune lymphoproliferative syndrome type 2; CASP10-Related Autoimmune Lymphoproliferative Syndrome; AUTOIMMUNE LYMPHOPROLIFERATIVE SYNDROME, TYPE IIA. Identifiers: Orphanet 3261, MedGen C1858968, MONDO:0011383, OMIM 603909.

Allele frequency attached by ClinVar (database versions not stated): TOPMed 0.00002.
gnomAD v4.1: 98 of 1,613,864 alleles (0.0061%); highest among the groups gnomAD compares: Middle Eastern, 0.033%; no homozygotes.

Submissions (4):

Labcorp Genetics (formerly Invitae), Labcorp
Classification: Likely benign for Autoimmune lymphoproliferative syndrome type 2A. Last evaluated: 2026-01-25. Review status: criteria provided, single submitter. Criteria: Invitae Variant Classification Sherloc (09022015). Collection method: clinical testing. Allele origin: germline.

CeGaT Center for Human Genetics Tuebingen
Classification: Likely benign. Last evaluated: 2024-11-01. Review status: criteria provided, single submitter. Criteria: CeGaT Center For Human Genetics Tuebingen Variant Classification Criteria Version 2. Collection method: clinical testing. Allele origin: germline. Affected: yes. Observed: 1 variant allele.
Comment: CASP10: BP4, BP7

Blueprint Genetics
Classification: Likely benign. Last evaluated: 2024-02-29. Review status: criteria provided, single submitter. Criteria: ACMG Guidelines, 2015. Collection method: clinical testing. Allele origin: germline.

Illumina Laboratory Services, Illumina
Classification: Uncertain significance for Autoimmune lymphoproliferative syndrome type 2A. Last evaluated: 2018-01-13. Review status: criteria provided, single submitter. Criteria: ICSL Variant Classification Criteria 13 December 2019. Collection method: clinical testing. Allele origin: germline.

NM_032977.4(CASP10):c.534A>G (p.Val178=)

Gene: CASP10 (caspase 10; plus strand). Cytogenetic location: 2q33.1.
Variant type: single nucleotide variant.
Coding change: c.534A>G on transcript NM_032977.4 (MANE Select); coding-DNA position 534, A replaced by G.
Protein change: p.Val178=; no amino-acid change (valine 178 retained).
Molecular consequence: synonymous variant.
Genome position (GRCh38, 1-based): chr2:201,193,076, A>G. VCF-style: chr2-201193076-A-G. GRCh37 (hg19) VCF-style: chr2-202057799-A-G.
Other names: c.534A>G, p.Val178= (NM_001206524.2, NM_001206542.2, NM_001230.5 and 3 more transcripts).
Identifiers: ClinVar variation 333424 (VCV000333424.32), dbSNP rs146233833, ClinGen allele CA2052896.